The following is an entry in ClinVar:

ClinVar aggregate classification (germline): Conflicting classifications of pathogenicity. Review status: criteria provided, conflicting classifications (1 of 4 stars). 4 submissions from 4 submitters: Uncertain significance (1); Likely benign (2). 1 of the submissions does not count toward it. Last evaluated 2026-02-03.

Conditions:
SCN10A-related disorder. Also called: SCN10A-related condition.
Brugada syndrome. Also called: Sudden unexplained nocturnal death syndrome; Sudden Unexplained Death Syndrome; Sudden Unexplained Nocturnal Death Syndrome (SUNDS); Sudden unexpected nocturnal death syndrome. Identifiers: Orphanet 130, MedGen C1142166, MONDO:0015263.
Cardiovascular phenotype. Identifiers: MedGen CN230736.

Allele frequency attached by ClinVar (database versions not stated): gnomAD exomes 0.00011 and 0.00005; gnomAD 0.00002 and 0.00003; ExAC 0.00011; TOPMed 0.00005; 1000 Genomes Project 0.00020; 1000 Genomes Project 30x 0.00016.
gnomAD v4.1: 36 of 1,613,548 alleles (0.0022%); highest among the groups gnomAD compares: Admixed American, 0.06%; no homozygotes.

Submissions (4):

Labcorp Genetics (formerly Invitae), Labcorp
Classification: Likely benign for Brugada syndrome. Last evaluated: 2026-02-03. Review status: criteria provided, single submitter. Criteria: Invitae Variant Classification Sherloc (09022015). Collection method: clinical testing. Allele origin: germline.

GeneDx
Classification: Uncertain significance. Last evaluated: 2024-07-15. Review status: criteria provided, single submitter. Criteria: GeneDx Variant Classification Process June 2021. Collection method: clinical testing. Allele origin: germline. Affected: yes.
Comment: In silico analysis supports that this missense variant has a deleterious effect on protein structure/function; Has not been previously published as pathogenic or benign to our knowledge

Ambry Genetics
Classification: Likely benign for Cardiovascular phenotype. Last evaluated: 2021-01-12. Review status: criteria provided, single submitter. Criteria: Ambry Variant Classification Scheme 2023. Collection method: clinical testing. Allele origin: germline.

PreventionGenetics, part of Exact Sciences
Classification: Likely benign for SCN10A-related condition. Last evaluated: 2022-08-09. Review status: no assertion criteria provided. Collection method: clinical testing. Allele origin: germline. Not counted in ClinVar's aggregate classification.
Comment: This variant is classified as likely benign based on ACMG/AMP sequence variant interpretation guidelines (Richards et al. 2015 PMID: 25741868, with internal and published modifications).

NM_006514.4(SCN10A):c.3796G>A (p.Gly1266Ser)

Gene: SCN10A (sodium voltage-gated channel alpha subunit 10; minus strand). Cytogenetic location: 3p22.2.
Variant type: single nucleotide variant.
Coding change: c.3796G>A on transcript NM_006514.4 (MANE Select); coding-DNA position 3796, G replaced by A.
Protein change: p.Gly1266Ser; replaces glycine 1266 with serine.
Molecular consequence: missense variant.
Genome position (GRCh38, 1-based): chr3:38,713,966, C>T on the plus strand (G>A on the coding strand, the complement: SCN10A is on the minus strand). VCF-style: chr3-38713966-C-T. GRCh37 (hg19) VCF-style: chr3-38755457-C-T.
Other names: c.3793G>A, p.Gly1265Ser (NM_001293306.2); c.3502G>A, p.Gly1168Ser (NM_001293307.2); short protein forms G1168S, G1266S, G1265S.
Identifiers: ClinVar variation 706260 (VCV000706260.15), dbSNP rs199892190, ClinGen allele CA2320119.